The following is an entry in ClinVar:

NM_002474.3(MYH11):c.2599C>A (p.Arg867=)

Gene: MYH11 (myosin heavy chain 11; minus strand). Cytogenetic location: 16p13.11.
Variant type: single nucleotide variant.
Coding change: c.2599C>A on transcript NM_002474.3 (MANE Select); coding-DNA position 2599, C replaced by A.
Protein change: p.Arg867=; no amino-acid change (arginine 867 retained).
Molecular consequence: synonymous variant.
Genome position (GRCh38, 1-based): chr16:15,741,813, G>T on the plus strand (C>A on the coding strand, the complement: MYH11 is on the minus strand). VCF-style: chr16-15741813-G-T. GRCh37 (hg19) VCF-style: chr16-15835670-G-T.
Other names: c.2620C>A, p.Arg874= (NM_001040113.2, NM_001040114.2); c.2599C>A, p.Arg867= (NM_022844.3).
Identifiers: ClinVar variation 390762 (VCV000390762.3), dbSNP rs745429737, ClinGen allele CA16606892.

ClinVar aggregate classification (germline): Likely benign. Review status: criteria provided, multiple submitters, no conflicts (2 of 4 stars). 3 submissions from 3 submitters: Likely benign (3). Last evaluated 2023-08-15.

Conditions:
Familial thoracic aortic aneurysm and aortic dissection (TAAD). Also called: Thoracic aortic aneurysms and dissections. Identifiers: Orphanet 91387, MedGen C4707243, MONDO:0019625.

gnomAD v4.1: 4 of 1,614,106 alleles (0.00025%); highest among the groups gnomAD compares: Non-Finnish European, 0.00017%; no homozygotes.

Submissions (3):

All of Us Research Program, National Institutes of Health
Classification: Likely benign for Familial thoracic aortic aneurysm and aortic dissection. Last evaluated: 2023-08-15. Review status: criteria provided, single submitter. Criteria: ACMG Guidelines, 2015. Collection method: clinical testing. Allele origin: germline. Inheritance: Autosomal dominant inheritance. Observed: 1 variant allele, 1 heterozygote.
Comment: This study involves interpretation of variants in research participants for the purpose of population health screening. Participant phenotype was not available at the time of variant classification. Additional details can be found in publication PMID: 35346344, PMCID: PMC8962531

Color Diagnostics, LLC DBA Color Health
Classification: Likely benign for Familial thoracic aortic aneurysm and aortic dissection. Last evaluated: 2023-08-02. Review status: criteria provided, single submitter. Criteria: ACMG Guidelines, 2015. Collection method: clinical testing. Allele origin: germline.

GeneDx
Classification: Likely benign. Last evaluated: 2016-11-14. Review status: criteria provided, single submitter. Criteria: GeneDx Variant Classification (06012015). Collection method: clinical testing. Allele origin: germline. Affected: yes.
Comment: This variant is considered likely benign or benign based on one or more of the following criteria: it is a conservative change, it occurs at a poorly conserved position in the protein, it is predicted to be benign by multiple in silico algorithms, and/or has population frequency not consistent with disease.